The following is an entry in ClinVar:

NM_032043.3(BRIP1):c.815dup (p.Met273fs)

Gene: BRIP1 (BRCA1 interacting DNA helicase 1; minus strand). Cytogenetic location: 17q23.2.
Variant type: Duplication.
Coding change: c.815dup on transcript NM_032043.3 (MANE Select); coding-DNA position 815, one base duplicated (C; older notation c.815dupC).
Protein change: p.Met273fs; shifts the reading frame from methionine 273.
Molecular consequence: frameshift variant.
Genome position (GRCh38, 1-based): chr17:61,808,570, G duplicated on the plus strand (C on the coding strand, the reverse complement: BRIP1 is on the minus strand); the first of 2 consecutive G bases (chr17:61,808,570-61,808,571); duplicating either gives the same sequence. VCF-style (leftmost placement, unchanged base first): chr17-61808569-T-TG. GRCh37 (hg19) VCF-style: chr17-59885930-T-TG.
Other names: short protein forms M273fs.
Identifiers: ClinVar variation 2583519 (VCV002583519.2), dbSNP rs2545195353, ClinGen allele CA2582342243.

ClinVar aggregate classification (germline): Pathogenic (1 of 4 stars; one submission).

Conditions:
Familial cancer of breast. Also called: Hereditary breast cancer; BREAST CANCER, FAMILIAL; hereditary breast carcinoma. Identifiers: Orphanet 227535, MedGen C0346153, MONDO:0016419, OMIM 114480. Disease mechanism: loss of function.

Submission:

Myriad Genetics, Inc.
Classification: Pathogenic for Familial cancer of breast. Last evaluated: 2023-05-31. Review status: criteria provided, single submitter. Criteria: Myriad Autosomal Dominant, Autosomal Recessive and X-Linked Classification Criteria (2023). Collection method: clinical testing. Allele origin: unknown.
Comment: This variant is considered pathogenic. This variant creates a frameshift predicted to result in premature protein truncation.